The following is an entry in ClinVar:

ClinVar aggregate classification (germline): Uncertain significance (1 of 4 stars; one submission).

Conditions:
Hereditary cancer-predisposing syndrome. Also called: Hereditary neoplastic syndrome; Neoplastic Syndromes, Hereditary; Tumor predisposition; Hereditary Cancer Syndrome. Identifiers: Orphanet 140162, MedGen C0027672, MeSH D009386, MONDO:0015356.

Submission:

Ambry Genetics
Classification: Uncertain significance for Hereditary cancer-predisposing syndrome. Last evaluated: 2025-08-27. Review status: criteria provided, single submitter. Criteria: Ambry Variant Classification Scheme 2023. Collection method: clinical testing. Allele origin: germline.
Comment: The p.S32T variant (also known as c.95G>C), located in coding exon 2 of the MUTYH gene, results from a G to C substitution at nucleotide position 95. The serine at codon 32 is replaced by threonine, an amino acid with similar properties. This amino acid position is conserved. In addition, this alteration is predicted to be tolerated by in silico analysis. Based on the available evidence, the clinical significance of this variant remains unclear.

NM_001048174.2(MUTYH):c.53G>C (p.Ser18Thr)

Gene: MUTYH (mutY DNA glycosylase; minus strand). Cytogenetic location: 1p34.1.
Variant type: single nucleotide variant.
Coding change: c.53G>C on transcript NM_001048174.2 (MANE Select); coding-DNA position 53, G replaced by C.
Protein change: p.Ser18Thr; replaces serine 18 with threonine.
Molecular consequence: missense variant. On other transcripts: 5 prime UTR variant (7), non-coding transcript variant (7).
Genome position (GRCh38, 1-based): chr1:45,334,453, C>G on the plus strand (G>C on the coding strand, the complement: MUTYH is on the minus strand). VCF-style: chr1-45334453-C-G. GRCh37 (hg19) VCF-style: chr1-45800125-C-G.
Other names: c.-155G>C (NM_001350651.2, NM_001407082.1); c.95G>C, p.Ser32Thr (NM_001407069.1, NM_001407073.1, NM_001128425.2 and 2 more transcripts); c.53G>C, p.Ser18Thr (NM_001407070.1, NM_001407071.1, NM_001407072.1 and 15 more transcripts); c.-104G>C (NM_001407075.1); c.-160G>C (NM_001293192.2, NM_001293196.2, NM_001407091.1); c.-219G>C (NM_001350650.2); c.71G>C, p.Ser24Thr (NM_001407087.1); short protein forms S24T, S32T, S18T.
Identifiers: ClinVar variation 4113956 (VCV004113956.1).